The following is an entry in ClinVar:

ClinVar aggregate classification (germline): Conflicting classifications of pathogenicity. Review status: criteria provided, conflicting classifications (1 of 4 stars). 3 submissions from 3 submitters: Likely pathogenic (1); Uncertain significance (2). Last evaluated 2026-09-17.

Conditions:
CFI-related disorder. Also called: CFI-related condition; CFI-related disorders. Identifiers: MedGen CN239325.
Atypical hemolytic-uremic syndrome with I factor anomaly. Also called: HEMOLYTIC UREMIC SYNDROME, ATYPICAL, SUSCEPTIBILITY TO, 3; AHUS, SUSCEPTIBILITY TO, 3. Identifiers: Orphanet 2134, MedGen C2752039, MONDO:0013041, OMIM 612923.

gnomAD v4.1: 12 of 1,614,144 alleles (0.00074%); highest among the groups gnomAD compares: East Asian, 0.018%; no homozygotes.

Submissions (3):

Genomenon, Inc
Classification: Likely pathogenic for CFI-related disorder. Last evaluated: 2026-09-17. Review status: criteria provided, single submitter. Criteria: Genomenon Sequence Variant Interpretation Standards - Updated. Collection method: curation. Allele origin: germline. Affected: yes.
Comment: CFI p.Ala452Thr (c.1354G>A) is a missense variant that changes the amino acid at codon 452 from Alanine to Threonine. This variant has been observed in at least one proband affected with a CFI-related disorder (PMID:35619721;31667615). This variant is located in a mutational hotspot and/or important functional domain. It is absent or not present at a significant frequency in gnomAD. In silico models predict that this variant is possibly or probably damaging. In conclusion, we classify CFI p.Ala452Thr (c.1354G>A) as a likely pathogenic variant.

3billion
Classification: Uncertain significance for Atypical hemolytic-uremic syndrome with I factor anomaly. Last evaluated: 2025-11-30. Review status: criteria provided, single submitter. Criteria: ACMG Guidelines, 2015. Collection method: clinical testing. Allele origin: germline. Affected: yes.
Comment: The variant is observed at an extremely low frequency in the gnomAD v4.1.0 dataset (total allele frequency: <0.001%). Predicted Consequence/Location: Missense variant In silico tool predictions suggest damaging effect of the variant on gene or gene product [REVEL: 0.71 (>=0.6, sensitivity 0.68 and specificity 0.92)]. The same nucleotide change resulting in the same amino acid change has been previously reported to be associated with CFI-related disorder (PMID: 35619721). A different missense change at the same codon (p.Ala452Pro) has been reported to be associated with CFI-related disorder (PMID: 35619721). However the evidence of pathogenicity is insufficient at this time. Therefore, this variant is classified as VUS according to the recommendation of ACMG/AMP guideline.

Labcorp Genetics (formerly Invitae), Labcorp
Classification: Uncertain significance. Last evaluated: 2024-10-07. Review status: criteria provided, single submitter. Criteria: Invitae Variant Classification Sherloc (09022015). Collection method: clinical testing. Allele origin: germline.
Comment: This sequence change replaces alanine, which is neutral and non-polar, with threonine, which is neutral and polar, at codon 452 of the CFI protein (p.Ala452Thr). This variant is present in population databases (rs750018382, gnomAD 0.01%). This missense change has been observed in individual(s) with clinical features of hemolytic uremic syndrome (PMID: 35619721). ClinVar contains an entry for this variant (Variation ID: 2057218). Invitae Evidence Modeling of protein sequence and biophysical properties (such as structural, functional, and spatial information, amino acid conservation, physicochemical variation, residue mobility, and thermodynamic stability) indicates that this missense variant is expected to disrupt CFI protein function with a positive predictive value of 80%. In summary, the available evidence is currently insufficient to determine the role of this variant in disease. Therefore, it has been classified as a Variant of Uncertain Significance.

Literature cited by the submitters: PubMed 35619721 (cited by 3 submitters); PubMed 31667615 (cited by Genomenon, Inc).

NM_000204.5(CFI):c.1354G>A (p.Ala452Thr)

Gene: CFI (complement factor I; minus strand). Cytogenetic location: 4q25.
Variant type: single nucleotide variant.
Coding change: c.1354G>A on transcript NM_000204.5 (MANE Select); coding-DNA position 1354, G replaced by A.
Protein change: p.Ala452Thr; replaces alanine 452 with threonine.
Molecular consequence: missense variant. On other transcripts: non-coding transcript variant (2).
Genome position (GRCh38, 1-based): chr4:109,746,297, C>T on the plus strand (G>A on the coding strand, the complement: CFI is on the minus strand). VCF-style: chr4-109746297-C-T. GRCh37 (hg19) VCF-style: chr4-110667453-C-T.
Other names: c.1378G>A, p.Ala460Thr (NM_001318057.2, NM_001375278.1); c.1333G>A, p.Ala445Thr (NM_001331035.2, NM_001375280.1, NM_001375282.1); c.1354G>A, p.Ala452Thr (NM_001375279.1, NM_001375281.1); c.1297G>A, p.Ala433Thr (NM_001375283.1); c.745G>A, p.Ala249Thr (NM_001375284.1); short protein forms A433T, A452T, A249T, A445T, A460T.
Identifiers: ClinVar variation 2057218 (VCV002057218.7), dbSNP rs750018382, ClinGen allele CA3041931.